The following is an entry in ClinVar:

NM_001042492.3(NF1):c.7449T>C (p.Pro2483=)

Gene: NF1 (neurofibromin 1; plus strand). Cytogenetic location: 17q11.2.
Variant type: single nucleotide variant.
Coding change: c.7449T>C on transcript NM_001042492.3 (MANE Select); coding-DNA position 7449, T replaced by C.
Protein change: p.Pro2483=; no amino-acid change (proline 2483 retained).
Molecular consequence: synonymous variant.
Genome position (GRCh38, 1-based): chr17:31,350,310, T>C. VCF-style: chr17-31350310-T-C. GRCh37 (hg19) VCF-style: chr17-29677328-T-C.
Other names: c.7386T>C, p.Pro2462= (NM_000267.4).
Identifiers: ClinVar variation 237595 (VCV000237595.32), dbSNP rs878853916, ClinGen allele CA10583525.

ClinVar aggregate classification (germline): Benign/Likely benign. Review status: criteria provided, multiple submitters, no conflicts (2 of 4 stars). 8 submissions from 8 submitters: Benign (1); Likely benign (7). Last evaluated 2026-05-21.

Conditions:
Hereditary cancer-predisposing syndrome. Also called: Tumor predisposition; Hereditary Cancer Syndrome; Neoplastic Syndromes, Hereditary; Hereditary neoplastic syndrome. Identifiers: Orphanet 140162, MedGen C0027672, MeSH D009386, MONDO:0015356.
Neurofibromatosis, type 1 (NF1). Also called: Peripheral type neurofibromatosis; Neurofibromatosis, type I; VON RECKLINGHAUSEN DISEASE; NEUROFIBROMATOSIS, TYPE I, SOMATIC. Identifiers: Orphanet 636, MedGen C0027831, MONDO:0018975, OMIM 162200. Disease mechanism: loss of function.

Allele frequency attached by ClinVar (database versions not stated): gnomAD exomes below 0.00001; TOPMed below 0.00001; gnomAD 0.00001.
gnomAD v4.1: 9 of 1,612,192 alleles (0.00056%); highest among the groups gnomAD compares: Middle Eastern, 0.016%; no homozygotes.

Submissions (8):

Myriad Genetics, Inc.
Classification: Benign for Neurofibromatosis, type 1. Last evaluated: 2026-05-21. Review status: criteria provided, single submitter. Criteria: Myriad Autosomal Dominant, Autosomal Recessive and X-Linked Classification Criteria (2023). Collection method: clinical testing. Allele origin: unknown.
Comment: This variant is considered benign. This variant is a silent/synonymous amino acid change and it is not expected to impact splicing.

CeGaT Center for Human Genetics Tuebingen
Classification: Likely benign. Last evaluated: 2026-03-01. Review status: criteria provided, single submitter. Criteria: CeGaT Center For Human Genetics Tuebingen Variant Classification Criteria Version 2. Collection method: clinical testing. Allele origin: germline. Affected: yes. Observed: 2 variant alleles.
Comment: NF1: BP4, BP7

Labcorp Genetics (formerly Invitae), Labcorp
Classification: Likely benign for Neurofibromatosis, type 1. Last evaluated: 2026-01-10. Review status: criteria provided, single submitter. Criteria: Invitae Variant Classification Sherloc (09022015). Collection method: clinical testing. Allele origin: germline.

Women's Health and Genetics/Laboratory Corporation of America, LabCorp
Classification: Likely benign. Last evaluated: 2024-12-06. Review status: criteria provided, single submitter. Criteria: LabCorp Variant Classification Summary - May 2015. Collection method: clinical testing. Allele origin: germline.

Blueprint Genetics
Classification: Likely benign. Last evaluated: 2024-10-17. Review status: criteria provided, single submitter. Criteria: ACMG Guidelines, 2015. Collection method: clinical testing. Allele origin: germline.

Genome-Nilou Lab
Classification: Likely benign for Neurofibromatosis, type 1. Last evaluated: 2022-03-15. Review status: criteria provided, single submitter. Criteria: ACMG Guidelines, 2015. Collection method: clinical testing. Allele origin: germline. Affected: no.

GeneDx
Classification: Likely benign. Last evaluated: 2018-11-21. Review status: criteria provided, single submitter. Criteria: GeneDx Variant Classification Process June 2021. Collection method: clinical testing. Allele origin: germline. Affected: yes.

Ambry Genetics
Classification: Likely benign for Hereditary cancer-predisposing syndrome. Last evaluated: 2015-03-27. Review status: criteria provided, single submitter. Criteria: Ambry Autosomal Dominant and X-Linked criteria (10/2015). Collection method: clinical testing. Allele origin: germline. Observed: 1 variant allele.

Literature cited by the submitters: PubMed 10678181 (cited by Women's Health and Genetics/Laboratory Corporation of America, LabCorp); PubMed 23460398 (cited by Women's Health and Genetics/Laboratory Corporation of America, LabCorp); PubMed 29872168 (cited by Women's Health and Genetics/Laboratory Corporation of America, LabCorp); PubMed 27069254 (cited by Women's Health and Genetics/Laboratory Corporation of America, LabCorp).